The following is an entry in ClinVar:

ClinVar aggregate classification (germline): Benign/Likely benign. Review status: criteria provided, multiple submitters, no conflicts (2 of 4 stars). 4 submissions from 4 submitters: Benign (1); Likely benign (3). Last evaluated 2026-01-11.

Conditions:
Hereditary cancer-predisposing syndrome. Also called: Tumor predisposition; Neoplastic Syndromes, Hereditary; Hereditary Cancer Syndrome; Hereditary neoplastic syndrome. Identifiers: Orphanet 140162, MedGen C0027672, MeSH D009386, MONDO:0015356.
Multiple endocrine neoplasia, type 1 (MEN1). Also called: MEN I; WERMER SYNDROME; Endocrine adenomatosis multiple; MEN 1; MEA I. Identifiers: Orphanet 652, MedGen C0025267, MeSH D018761, MONDO:0007540, OMIM 131100.

Submissions (4):

Labcorp Genetics (formerly Invitae), Labcorp
Classification: Likely benign for Multiple endocrine neoplasia, type 1. Last evaluated: 2026-01-11. Review status: criteria provided, single submitter. Criteria: Invitae Variant Classification Sherloc (09022015). Collection method: clinical testing. Allele origin: germline.

Myriad Genetics, Inc.
Classification: Benign for Multiple endocrine neoplasia, type 1. Last evaluated: 2024-10-31. Review status: criteria provided, single submitter. Criteria: Myriad Autosomal Dominant, Autosomal Recessive and X-Linked Classification Criteria (2023). Collection method: clinical testing. Allele origin: unknown.
Comment: This variant is considered benign. This variant is a silent/synonymous amino acid change and it is not expected to impact splicing.

All of Us Research Program, National Institutes of Health
Classification: Likely benign for Multiple endocrine neoplasia, type 1. Last evaluated: 2023-12-18. Review status: criteria provided, single submitter. Criteria: ACMG Guidelines, 2015. Collection method: clinical testing. Allele origin: germline. Inheritance: Autosomal dominant inheritance. Observed: 1 variant allele, 1 heterozygote.
Comment: This study involves interpretation of variants in research participants for the purpose of population health screening. Participant phenotype was not available at the time of variant classification. Additional details can be found in publication PMID: 35346344, PMCID: PMC8962531

Ambry Genetics
Classification: Likely benign for Hereditary cancer-predisposing syndrome. Last evaluated: 2019-05-27. Review status: criteria provided, single submitter. Criteria: Ambry Variant Classification Scheme 2023. Collection method: clinical testing. Allele origin: germline.

NM_001370259.2(MEN1):c.27G>A (p.Thr9=)

Gene: MEN1 (menin 1; minus strand). Cytogenetic location: 11q13.1.
Variant type: single nucleotide variant.
Coding change: c.27G>A on transcript NM_001370259.2 (MANE Select); coding-DNA position 27, G replaced by A.
Protein change: p.Thr9=; no amino-acid change (threonine 9 retained).
Molecular consequence: synonymous variant.
Genome position (GRCh38, 1-based): chr11:64,810,083, C>T on the plus strand (G>A on the coding strand, the complement: MEN1 is on the minus strand). VCF-style: chr11-64810083-C-T. GRCh37 (hg19) VCF-style: chr11-64577555-C-T.
Other names: c.27G>A, p.Thr9= (NM_000244.4, NM_001370251.2, NM_001370260.2 and 9 more transcripts).
Identifiers: ClinVar variation 1096605 (VCV001096605.13), dbSNP rs1190267704, ClinGen allele CA475163326.